The following is an entry in ClinVar:

ClinVar aggregate classification (germline): Uncertain significance (1 of 4 stars; one submission).

Conditions:
Dyskeratosis congenita, autosomal recessive 5 (DKCB5). Identifiers: MedGen C3554656, MONDO:0014076, OMIM 615190.
Pulmonary fibrosis and/or bone marrow failure, Telomere-related, 3. Also called: PULMONARY FIBROSIS AND/OR BONE MARROW FAILURE SYNDROME, TELOMERE-RELATED, 3. Identifiers: Orphanet 2032, MedGen C4225346, MONDO:0014613, OMIM 616373.

Submission:

Labcorp Genetics (formerly Invitae), Labcorp
Classification: Uncertain significance for Dyskeratosis congenita, autosomal recessive 5; Pulmonary fibrosis and/or bone marrow failure, Telomere-related, 3. Last evaluated: 2023-03-31. Review status: criteria provided, single submitter. Criteria: Invitae Variant Classification Sherloc (09022015). Collection method: clinical testing. Allele origin: germline.
Comment: In summary, the available evidence is currently insufficient to determine the role of this variant in disease. Therefore, it has been classified as a Variant of Uncertain Significance. An algorithm developed to predict the effect of missense changes on protein structure and function (PolyPhen-2) suggests that this variant is likely to be disruptive. This variant has not been reported in the literature in individuals affected with RTEL1-related conditions. This variant is not present in population databases (gnomAD no frequency). This sequence change replaces alanine, which is neutral and non-polar, with threonine, which is neutral and polar, at codon 73 of the RTEL1 protein (p.Ala73Thr).

NM_001283009.2(RTEL1):c.217G>A (p.Ala73Thr)

Genes: RTEL1 (regulator of telomere elongation helicase 1; plus strand), RTEL1-TNFRSF6B (RTEL1-TNFRSF6B readthrough (NMD candidate); plus strand). Cytogenetic location: 20q13.33.
Variant type: single nucleotide variant.
Coding change: c.217G>A on transcript NM_001283009.2 (MANE Select); coding-DNA position 217, G replaced by A.
Protein change: p.Ala73Thr; replaces alanine 73 with threonine.
Molecular consequence: missense variant. On other transcripts: non-coding transcript variant (1), 5 prime UTR variant (1).
Genome position (GRCh38, 1-based): chr20:63,661,412, G>A. VCF-style: chr20-63661412-G-A. GRCh37 (hg19) VCF-style: chr20-62292765-G-A.
Other names: c.-453G>A (NM_001283010.1); c.217G>A, p.Ala73Thr (NM_016434.4, NM_032957.5); short protein forms A73T.
Identifiers: ClinVar variation 2946031 (VCV002946031.3), dbSNP rs774311444, ClinGen allele CA409657984.